The following is an entry in ClinVar:

ClinVar aggregate classification (germline): Pathogenic (1 of 4 stars; one submission).

Submission:

GeneDx
Classification: Pathogenic. Last evaluated: 2015-05-22. Review status: criteria provided, single submitter. Criteria: GeneDx Variant Classification (06012015). Collection method: clinical testing. Allele origin: germline. Affected: yes.
Comment: The L527X variant in the CTNNB1 gene has not been reported previously as a pathogenic variant nor as a benign polymorphism, to our knowledge. This variant is predicted to cause loss ofnormal protein function either through protein truncation or nonsense-mediated mRNA decay. The L527Xvariant was not observed in approximately 6500 individuals of European and African American ancestryin the NHLBI Exome Sequencing Project, indicating it is not a common benign variant in these populations.We interpret L527X as a pathogenic variant.

NM_001904.4(CTNNB1):c.1580T>A (p.Leu527Ter)

Genes: CTNNB1 (catenin beta 1; plus strand), LOC126806659 (BRD4-independent group 4 enhancer GRCh37_chr3:41274918-41276117; plus strand). Cytogenetic location: 3p22.1.
Variant type: single nucleotide variant.
Coding change: c.1580T>A on transcript NM_001904.4 (MANE Select); coding-DNA position 1580, T replaced by A.
Protein change: p.Leu527Ter; replaces leucine 527 with a stop codon.
Molecular consequence: nonsense.
Genome position (GRCh38, 1-based): chr3:41,234,194, T>A. VCF-style: chr3-41234194-T-A. GRCh37 (hg19) VCF-style: chr3-41275685-T-A.
Other names: c.1580T>A, p.Leu527Ter (NM_001098209.2, NM_001098210.2); c.1559T>A, p.Leu520Ter (NM_001330729.2); short protein forms L527*, L520*.
Identifiers: ClinVar variation 379783 (VCV000379783.2), dbSNP rs1057520730, ClinGen allele CA16604594.